The following is an entry in ClinVar:

NM_005630.3(SLCO2A1):c.367G>A (p.Glu123Lys)

Gene: SLCO2A1 (solute carrier organic anion transporter family member 2A1; minus strand). Cytogenetic location: 3q22.1.
Variant type: single nucleotide variant.
Coding change: c.367G>A on transcript NM_005630.3 (MANE Select); coding-DNA position 367, G replaced by A.
Protein change: p.Glu123Lys; replaces glutamic acid 123 with lysine.
Molecular consequence: missense variant.
Genome position (GRCh38, 1-based): chr3:133,973,693, C>T on the plus strand (G>A on the coding strand, the complement: SLCO2A1 is on the minus strand). VCF-style: chr3-133973693-C-T. GRCh37 (hg19) VCF-style: chr3-133692537-C-T.
Other names: short protein forms E123K.
Identifiers: ClinVar variation 738067 (VCV000738067.11), dbSNP rs142920472, ClinGen allele CA2626857.

ClinVar aggregate classification (germline): Likely benign. Review status: criteria provided, single submitter (1 of 4 stars). 2 submissions from 2 submitters: Likely benign (1). 1 of the submissions does not count toward it. Last evaluated 2026-01-26.

Conditions:
SLCO2A1-related disorder. Also called: SLCO2A1-related condition.

Allele frequency attached by ClinVar (database versions not stated): gnomAD exomes 0.00009 and 0.00023; ExAC 0.00027; ESP Exome Variant Server 0.00077; 1000 Genomes Project 0.00100; gnomAD 0.00101 and 0.00106; TOPMed 0.00110; 1000 Genomes Project 30x 0.00141.

Submissions (2):

Labcorp Genetics (formerly Invitae), Labcorp
Classification: Likely benign. Last evaluated: 2026-01-26. Review status: criteria provided, single submitter. Criteria: Invitae Variant Classification Sherloc (09022015). Collection method: clinical testing. Allele origin: germline.

PreventionGenetics, part of Exact Sciences
Classification: Likely benign for SLCO2A1-related condition. Last evaluated: 2023-05-22. Review status: no assertion criteria provided. Collection method: clinical testing. Allele origin: germline. Not counted in ClinVar's aggregate classification.
Comment: This variant is classified as likely benign based on ACMG/AMP sequence variant interpretation guidelines (Richards et al. 2015 PMID: 25741868, with internal and published modifications).